The following is an entry in ClinVar:

ClinVar aggregate classification (germline): Uncertain significance (1 of 4 stars; one submission).

Conditions:
Familial thoracic aortic aneurysm and aortic dissection (TAAD). Also called: Thoracic aortic aneurysms and dissections. Identifiers: Orphanet 91387, MedGen C4707243, MONDO:0019625.

Submission:

Ambry Genetics
Classification: Uncertain significance for Familial thoracic aortic aneurysm and aortic dissection. Last evaluated: 2023-12-30. Review status: criteria provided, single submitter. Criteria: Ambry Variant Classification Scheme 2023. Collection method: clinical testing. Allele origin: germline.
Comment: The p.S432C variant (also known as c.1294A>T), located in coding exon 4 of the SKI gene, results from an A to T substitution at nucleotide position 1294. The serine at codon 432 is replaced by cysteine, an amino acid with dissimilar properties. This amino acid position is conserved. In addition, the in silico prediction for this alteration is inconclusive. Since supporting evidence is limited at this time, the clinical significance of this alteration remains unclear.

NM_003036.4(SKI):c.1294A>T (p.Ser432Cys)

Gene: SKI (SKI proto-oncogene; plus strand). Cytogenetic location: 1p36.32.
Variant type: single nucleotide variant.
Coding change: c.1294A>T on transcript NM_003036.4 (MANE Select); coding-DNA position 1294, A replaced by T.
Protein change: p.Ser432Cys; replaces serine 432 with cysteine.
Molecular consequence: missense variant.
Genome position (GRCh38, 1-based): chr1:2,303,922, A>T. VCF-style: chr1-2303922-A-T. GRCh37 (hg19) VCF-style: chr1-2235361-A-T.
Other names: short protein forms S432C.
Identifiers: ClinVar variation 3223050 (VCV003223050.1), dbSNP rs368739670, ClinGen allele CA337955044.
Genomic context (GRCh38, chr1:2,303,922, plus strand): 5'-GAGACAGCCGTGGCGCCCAACGTGGCCCTCGCACCGCCGGCCCAGCAGAAGGTTGTGAGC[A>T]GCCCTCCGTGTGCCGCCGCCGTCTCCCGGGCCCCCGAGCCTCTCGCCACTTGCACCCAGC-3'
Protein context (NP_003027.1, residues 422-442): APPAQQKVVS[Ser432Cys]PPCAAAVSRA